The following is an entry in ClinVar:

NM_001042492.3(NF1):c.702_703inv (p.Tyr235His)

Gene: NF1 (neurofibromin 1; plus strand). Cytogenetic location: 17q11.2.
Variant type: Inversion.
Coding change: c.702_703inv on transcript NM_001042492.3 (MANE Select).
Protein change: p.Tyr235His; replaces tyrosine 235 with histidine.
Molecular consequence: missense variant.
Genome position: GRCh38 VCF-style: chr17-31181757-GT-AC. GRCh37 (hg19) VCF-style: chr17-29508775-GT-AC.
Other names: c.702_703delinsAC (NM_000267.3); c.702_703delGTinsAC (NM_000267.3); c.702_703invGT, p.Tyr235His (NM_000267.4); c.702_703inv, p.Tyr235His (NM_001128147.3); short protein forms Y235H.
Identifiers: ClinVar variation 480118 (VCV000480118.15), ClinGen allele CA658656553.

ClinVar aggregate classification (germline): Conflicting classifications of pathogenicity. Review status: criteria provided, conflicting classifications (1 of 4 stars). 4 submissions from 4 submitters: Uncertain significance (3); Likely benign (1). Last evaluated 2025-11-24.

Conditions:
Cardiovascular phenotype. Identifiers: MedGen CN230736.
Hereditary cancer-predisposing syndrome. Also called: Hereditary neoplastic syndrome; Neoplastic Syndromes, Hereditary; Tumor predisposition; Hereditary Cancer Syndrome. Identifiers: Orphanet 140162, MedGen C0027672, MeSH D009386, MONDO:0015356.
Neurofibromatosis, type 1 (NF1). Also called: VON RECKLINGHAUSEN DISEASE; Peripheral type neurofibromatosis; NEUROFIBROMATOSIS, TYPE I, SOMATIC; Neurofibromatosis, type I. Identifiers: Orphanet 636, MedGen C0027831, MONDO:0018975, OMIM 162200. Disease mechanism: loss of function.

Submissions (4):

Labcorp Genetics (formerly Invitae), Labcorp
Classification: Likely benign for Neurofibromatosis, type 1. Last evaluated: 2025-11-24. Review status: criteria provided, single submitter. Criteria: Invitae Variant Classification Sherloc (09022015). Collection method: clinical testing. Allele origin: germline.

Quest Diagnostics Nichols Institute San Juan Capistrano
Classification: Uncertain significance. Last evaluated: 2025-09-30. Review status: criteria provided, single submitter. Criteria: Quest Diagnostics criteria. Collection method: clinical testing. Allele origin: unknown.

Ambry Genetics
Classification: Uncertain significance for Cardiovascular phenotype; Hereditary cancer-predisposing syndrome. Last evaluated: 2024-08-20. Review status: criteria provided, single submitter. Criteria: Ambry Variant Classification Scheme 2023. Collection method: clinical testing. Allele origin: germline.
Comment: The c.702_703delGTinsAC variant (also known as p.Y235H), located in coding exon 7 of the NF1 gene, results from an in-frame deletion of GT and insertion of AC at nucleotide positions 702 to 703. This results in the substitution of the tyrosine residue for a histidine residue at codon 235, an amino acid with similar properties. This amino acid position is highly conserved in available vertebrate species. In addition, this alteration is predicted to be neutral by in silico analysis (Choi Y et al. PLoS ONE. 2012; 7(10):e46688). Since supporting evidence is limited at this time, the clinical significance of this alteration remains unclear.

Genome-Nilou Lab
Classification: Uncertain significance for Neurofibromatosis, type 1. Last evaluated: 2022-03-15. Review status: criteria provided, single submitter. Criteria: ACMG Guidelines, 2015. Collection method: clinical testing. Allele origin: germline. Affected: no.